The following is an entry in ClinVar:

NM_001999.4(FBN2):c.4472A>T (p.Asp1491Val)

Gene: FBN2 (fibrillin 2; minus strand). Cytogenetic location: 5q23.3.
Variant type: single nucleotide variant.
Coding change: c.4472A>T on transcript NM_001999.4 (MANE Select); coding-DNA position 4472, A replaced by T.
Protein change: p.Asp1491Val; replaces aspartic acid 1491 with valine.
Molecular consequence: missense variant.
Genome position (GRCh38, 1-based): chr5:128,319,001, T>A on the plus strand (A>T on the coding strand, the complement: FBN2 is on the minus strand). VCF-style: chr5-128319001-T-A. GRCh37 (hg19) VCF-style: chr5-127654693-T-A.
Other names: short protein forms D1491V.
Identifiers: ClinVar variation 1307260 (VCV001307260.2), dbSNP rs2126854670, ClinGen allele CA360750952.
Genomic context (GRCh38, chr5:128,319,001, plus strand): 5'-CCAGGCAGGTTATTACATGTTCCAAAGACACAAATGTTTTGGAAGGAGCATTCATCAATA[T>A]CTGAAGATTTTAAAAAAAAGTAATCTCTTATTTAAGAAGACATTTTAAAATTTTAATGTA-3'
Protein context (NP_001990.2, residues 1481-1501): TPASDSRSCQ[Asp1491Val]IDECSFQNIC

ClinVar aggregate classification (germline): Uncertain significance (1 of 4 stars; one submission).

Submission:

GeneDx
Classification: Uncertain significance. Last evaluated: 2019-07-24. Review status: criteria provided, single submitter. Criteria: GeneDx Variant Classification Process June 2021. Collection method: clinical testing. Allele origin: germline. Affected: yes.
Comment: Has not been previously published as pathogenic or benign to our knowledge; Not observed in large population cohorts (Lek et al., 2016); In silico analysis, which includes protein predictors and evolutionary conservation, supports a deleterious effect; In addition, in silico splice predictors suggest this variant may lead to abnormal gene splicing. In the absence of RNA/functional studies, the actual effect of this sequence change is unknown.